The following is an entry in ClinVar:

NM_001355436.2(SPTB):c.4921A>G (p.Lys1641Glu)

Gene: SPTB (spectrin beta, erythrocytic; minus strand). Cytogenetic location: 14q23.3.
Variant type: single nucleotide variant.
Coding change: c.4921A>G on transcript NM_001355436.2 (MANE Select); coding-DNA position 4921, A replaced by G.
Protein change: p.Lys1641Glu; replaces lysine 1641 with glutamic acid.
Molecular consequence: missense variant.
Genome position (GRCh38, 1-based): chr14:64,774,449, T>C on the plus strand (A>G on the coding strand, the complement: SPTB is on the minus strand). VCF-style: chr14-64774449-T-C. GRCh37 (hg19) VCF-style: chr14-65241167-T-C.
Other names: NM_000347.5:c.4921A>G; c.4921A>G, p.Lys1641Glu (NM_001024858.4, NM_001355437.2); short protein forms K1641E.
Identifiers: ClinVar variation 1308597 (VCV001308597.2), dbSNP rs1359689800, ClinGen allele CA390043127.

ClinVar aggregate classification (germline): Uncertain significance (1 of 4 stars; one submission).

Allele frequency attached by ClinVar (database versions not stated): gnomAD exomes 0.00001; TOPMed 0.00001.

Submission:

GeneDx
Classification: Uncertain significance. Last evaluated: 2019-04-12. Review status: criteria provided, single submitter. Criteria: GeneDx Variant Classification Process June 2021. Collection method: clinical testing. Allele origin: germline. Affected: yes.
Comment: Has not been previously published as pathogenic or benign to our knowledge; In silico analysis, which includes protein predictors and evolutionary conservation, supports that this variant does not alter protein structure/function